The following is an entry in ClinVar:

NM_003108.4(SOX11):c.1031C>A (p.Ser344Tyr)

Gene: SOX11 (SRY-box transcription factor 11; plus strand). Cytogenetic location: 2p25.2.
Variant type: single nucleotide variant.
Coding change: c.1031C>A on transcript NM_003108.4 (MANE Select); coding-DNA position 1031, C replaced by A.
Protein change: p.Ser344Tyr; replaces serine 344 with tyrosine.
Molecular consequence: missense variant.
Genome position (GRCh38, 1-based): chr2:5,693,752, C>A. VCF-style: chr2-5693752-C-A. GRCh37 (hg19) VCF-style: chr2-5833884-C-A.
Other names: short protein forms S344Y.
Identifiers: ClinVar variation 3391341 (VCV003391341.1).

ClinVar aggregate classification (germline): Uncertain significance (1 of 4 stars; one submission).

Conditions:
Intellectual developmental disorder with microcephaly and with or without ocular malformations or hypogonadotropic hypogonadism. Also called: Intellectual disability, autosomal dominant 27; Coffin-Siris Syndrome 9. Identifiers: Orphanet 1465, MedGen C4014528, MONDO:0014376, OMIM 615866.

Submission:

Neuberg Centre For Genomic Medicine, NCGM
Classification: Uncertain significance for Intellectual developmental disorder with microcephaly and with or without ocular malformations or hypogonadotropic hypogonadism. Last evaluated: 2023-07-22. Review status: criteria provided, single submitter. Criteria: ACMG Guidelines, 2015. Collection method: clinical testing. Allele origin: germline. Inheritance: Autosomal dominant inheritance. Affected: yes.
Comment: The observed missense variant c.1031C>Ap.Ser344Tyr in SOX11 gene has not been reported previously as a pathogenic variant nor as a benign variant, to our knowledge. The p.Ser344Tyr variant is absent in gnomAD Exomes. The amino acid Ser at position 344 is changed to a Tyr changing protein sequence and it might alter its composition and physico-chemical properties. Multiple lines of computational evidence Polyphen-damaging, SIFT-possibly damaging and Mutation Taster-disease causing predict a damaging effect on protein structure and function for this variant. The reference amino acid p.Ser344Tyr in SOX11 is predicted as conserved by GERP++ and PhyloP across 100 vertebrates. For these reasons, this variant has been classified as Uncertain Significance.